The following is an entry in ClinVar:

NM_001177693.2(ARHGEF28):c.3096C>G (p.Cys1032Trp)

Gene: ARHGEF28 (Rho guanine nucleotide exchange factor 28; plus strand). Cytogenetic location: 5q13.2.
Variant type: single nucleotide variant.
Coding change: c.3096C>G on transcript NM_001177693.2 (MANE Select); coding-DNA position 3096, C replaced by G.
Protein change: p.Cys1032Trp; replaces cysteine 1032 with tryptophan.
Molecular consequence: missense variant.
Genome position (GRCh38, 1-based): chr5:73,885,890, C>G. VCF-style: chr5-73885890-C-G. GRCh37 (hg19) VCF-style: chr5-73181715-C-G.
Other names: c.3096C>G, p.Cys1032Trp (NM_001080479.3, NM_001388078.1); c.2157C>G, p.Cys719Trp (NM_001244364.2); c.2802C>G, p.Cys934Trp (NM_001388076.1); short protein forms C1032W, C719W, C934W.
Identifiers: ClinVar variation 3352830 (VCV003352830.1).

ClinVar aggregate classification (germline): Uncertain significance (0 of 4 stars; one submission).

Conditions:
ARHGEF28-related disorder. Also called: ARHGEF28-related condition.

gnomAD v4.1: 1 of 1,613,126 alleles (0.000062%); highest among the groups gnomAD compares: Non-Finnish European, 0.000085%; no homozygotes.

Submission:

PreventionGenetics, part of Exact Sciences
Classification: Uncertain significance for ARHGEF28-related condition. Last evaluated: 2024-03-11. Review status: no assertion criteria provided. Collection method: clinical testing. Allele origin: germline.
Comment: The ARHGEF28 c.3096C>G variant is predicted to result in the amino acid substitution p.Cys1032Trp. To our knowledge, this variant has not been reported in the literature or in a large population database, indicating this variant is rare. At this time, the clinical significance of this variant is uncertain due to the absence of conclusive functional and genetic evidence.